The following is an entry in ClinVar:

ClinVar aggregate classification (germline): Pathogenic (1 of 4 stars; one submission).

Conditions:
Wilson disease (WND). Also called: Wilson's disease. Identifiers: Orphanet 905, MedGen C0019202, MONDO:0010200, OMIM 277900. Disease mechanism: loss of function.

Submission:

Labcorp Genetics (formerly Invitae), Labcorp
Classification: Pathogenic for Wilson disease. Last evaluated: 2023-12-12. Review status: criteria provided, single submitter. Criteria: Invitae Variant Classification Sherloc (09022015). Collection method: clinical testing. Allele origin: germline.
Comment: This sequence change creates a premature translational stop signal (p.Gly451Valfs*47) in the ATP7B gene. It is expected to result in an absent or disrupted protein product. Loss-of-function variants in ATP7B are known to be pathogenic (PMID: 10441329, 16283883). This variant is not present in population databases (gnomAD no frequency). This variant has not been reported in the literature in individuals affected with ATP7B-related conditions. For these reasons, this variant has been classified as Pathogenic.

Literature cited by the submitters: PubMed 10441329; PubMed 16283883.

NM_000053.4(ATP7B):c.1352del (p.Gly451fs)

Gene: ATP7B (ATPase copper transporting beta; minus strand). Cytogenetic location: 13q14.3.
Variant type: Deletion.
Coding change: c.1352del on transcript NM_000053.4 (MANE Select); coding-DNA position 1352, one base deleted (G; older notation c.1352delG).
Protein change: p.Gly451fs; shifts the reading frame from glycine 451.
Molecular consequence: frameshift variant. On other transcripts: intron variant (1).
Genome position (GRCh38, 1-based): chr13:51,970,683, C deleted on the plus strand (G on the coding strand, the reverse complement: ATP7B is on the minus strand); the first of 2 consecutive C bases (chr13:51,970,683-51,970,684); deleting either gives the same sequence. VCF-style (leftmost placement, unchanged base first): chr13-51970682-AC-A. GRCh37 (hg19) VCF-style: chr13-52544818-AC-A.
Other names: c.1352del, p.Gly451fs (NM_001005918.3, NM_001330578.2, NM_001330579.2 and 28 more transcripts); c.1019del, p.Gly340fs (NM_001243182.2); c.1256del, p.Gly419fs (NM_001406517.1, NM_001406518.1, NM_001406530.1 and 3 more transcripts); c.923del, p.Gly308fs (NM_001406539.1); c.1285+3252del (NM_001406548.1); short protein forms G451fs, G308fs, G340fs, G419fs.
Identifiers: ClinVar variation 2702550 (VCV002702550.3), dbSNP rs2547794910, ClinGen allele CA2623119055.